The following is an entry in ClinVar:

NM_000158.4(GBE1):c.480G>A (p.Trp160Ter)

Gene: GBE1 (1,4-alpha-glucan branching enzyme 1; minus strand). Cytogenetic location: 3p12.2.
Variant type: single nucleotide variant.
Coding change: c.480G>A on transcript NM_000158.4 (MANE Select); coding-DNA position 480, G replaced by A.
Protein change: p.Trp160Ter; replaces tryptophan 160 with a stop codon.
Molecular consequence: nonsense.
Genome position (GRCh38, 1-based): chr3:81,649,871, C>T on the plus strand (G>A on the coding strand, the complement: GBE1 is on the minus strand). VCF-style: chr3-81649871-C-T. GRCh37 (hg19) VCF-style: chr3-81699022-C-T.
Other names: short protein forms W160*.
Identifiers: ClinVar variation 1376912 (VCV001376912.10), dbSNP rs776943352, ClinGen allele CA2499955.

ClinVar aggregate classification (germline): Pathogenic/Likely pathogenic. Review status: criteria provided, multiple submitters, no conflicts (2 of 4 stars). 3 submissions from 3 submitters: Pathogenic (1); Likely pathogenic (2). Last evaluated 2024-03-03.

Conditions:
Glycogen storage disease, type IV (GSD4). Also called: AMYLOPECTINOSIS; ANDERSEN DISEASE; BRANCHER DEFICIENCY; CIRRHOSIS, FAMILIAL, WITH DEPOSITION OF ABNORMAL GLYCOGEN; GBE1 DEFICIENCY; GLYCOGEN BRANCHING ENZYME DEFICIENCY. Identifiers: Orphanet 367, MedGen C0017923, MONDO:0009292, OMIM 232500.
Glycogen storage disease IV, classic hepatic. Also called: GSD IV, CLASSIC HEPATIC. Identifiers: MedGen C1856301.

Allele frequency attached by ClinVar (database versions not stated): gnomAD exomes below 0.00001; ExAC 0.00001.
gnomAD v4.1: 2 of 1,610,838 alleles (0.00012%); highest among the groups gnomAD compares: Non-Finnish European, 0.00017%; no homozygotes.

Submissions (3):

Baylor Genetics
Classification: Likely pathogenic for Glycogen storage disease, type IV. Last evaluated: 2024-03-03. Review status: criteria provided, single submitter. Criteria: ACMG Guidelines, 2015. Collection method: clinical testing. Allele origin: unknown.

Labcorp Genetics (formerly Invitae), Labcorp
Classification: Pathogenic for Glycogen storage disease, type IV; Glycogen storage disease IV, classic hepatic. Last evaluated: 2024-01-20. Review status: criteria provided, single submitter. Criteria: Invitae Variant Classification Sherloc (09022015). Collection method: clinical testing. Allele origin: germline.
Comment: This sequence change creates a premature translational stop signal (p.Trp160*) in the GBE1 gene. It is expected to result in an absent or disrupted protein product. Loss-of-function variants in GBE1 are known to be pathogenic (PMID: 15452297, 20058079). This variant is present in population databases (rs776943352, gnomAD 0.0009%). This variant has not been reported in the literature in individuals affected with GBE1-related conditions. ClinVar contains an entry for this variant (Variation ID: 1376912). For these reasons, this variant has been classified as Pathogenic.

Laboratorio de Genetica e Diagnostico Molecular, Hospital Israelita Albert Einstein
Classification: Likely pathogenic. Last evaluated: 2022-01-12. Review status: criteria provided, single submitter. Criteria: ACMG Guidelines, 2015. Collection method: clinical testing. Allele origin: germline. Affected: yes.
Comment: ACMG classification criteria: PVS1, PM2

Literature cited by the submitters: PubMed 15452297 (cited by Labcorp Genetics (formerly Invitae), Labcorp); PubMed 20058079 (cited by Labcorp Genetics (formerly Invitae), Labcorp).